The following is an entry in ClinVar:

ClinVar aggregate classification (germline): Uncertain significance (1 of 4 stars; one submission).

Conditions:
TTC21B-related disorder. Also called: TTC21B-related condition; TTC21B-related disorders.

gnomAD v4.1: 11 of 1,612,914 alleles (0.00068%); highest among the groups gnomAD compares: East Asian, 0.0022%; no homozygotes.

Submission:

PreventionGenetics, part of Exact Sciences
Classification: Uncertain significance for TTC21B-related condition. Last evaluated: 2025-02-04. Review status: criteria provided, single submitter. Criteria: ACMG Guidelines, 2015. Collection method: clinical testing. Allele origin: germline.
Comment: The TTC21B c.880G>A variant is predicted to result in the amino acid substitution p.Ala294Thr. To our knowledge, this variant has not been reported in the literature. This variant is reported in 0.0054% of alleles in individuals of East Asian descent in gnomAD. At this time, the clinical significance of this variant is uncertain due to the absence of conclusive functional and genetic evidence.

NM_024753.5(TTC21B):c.880G>A (p.Ala294Thr)

Gene: TTC21B (tetratricopeptide repeat domain 21B; minus strand). Cytogenetic location: 2q24.3.
Variant type: single nucleotide variant.
Coding change: c.880G>A on transcript NM_024753.5 (MANE Select); coding-DNA position 880, G replaced by A.
Protein change: p.Ala294Thr; replaces alanine 294 with threonine.
Molecular consequence: missense variant.
Genome position (GRCh38, 1-based): chr2:165,931,772, C>T on the plus strand (G>A on the coding strand, the complement: TTC21B is on the minus strand). VCF-style: chr2-165931772-C-T. GRCh37 (hg19) VCF-style: chr2-166788282-C-T.
Other names: short protein forms A294T.
Identifiers: ClinVar variation 4988074 (VCV004988074.1).